The following is an entry in ClinVar:

NM_015721.3(GEMIN4):c.1131T>G (p.Ser377=)

Gene: GEMIN4 (gem nuclear organelle associated protein 4; minus strand). Cytogenetic location: 17p13.3.
Variant type: single nucleotide variant.
Coding change: c.1131T>G on transcript NM_015721.3 (MANE Select); coding-DNA position 1131, T replaced by G.
Protein change: p.Ser377=; no amino-acid change (serine 377 retained).
Molecular consequence: synonymous variant.
Genome position (GRCh38, 1-based): chr17:746,912, A>C on the plus strand (T>G on the coding strand, the complement: GEMIN4 is on the minus strand). VCF-style: chr17-746912-A-C. GRCh37 (hg19) VCF-style: chr17-650152-A-C.
Identifiers: ClinVar variation 3025552 (VCV003025552.22), dbSNP rs2544543550, ClinGen allele CA497384627.

ClinVar aggregate classification (germline): Likely benign (1 of 4 stars; one submission).

Submission:

CeGaT Center for Human Genetics Tuebingen
Classification: Likely benign. Last evaluated: 2024-06-01. Review status: criteria provided, single submitter. Criteria: CeGaT Center For Human Genetics Tuebingen Variant Classification Criteria Version 2. Collection method: clinical testing. Allele origin: germline. Affected: yes. Observed: 2 variant alleles.
Comment: GEMIN4: PM2:Supporting, BP4, BP7